The following is an entry in ClinVar:

ClinVar aggregate classification (germline): Uncertain significance. Review status: criteria provided, multiple submitters, no conflicts (2 of 4 stars). 2 submissions from 2 submitters: Uncertain significance (2). Last evaluated 2024-09-01.

Conditions:
Autosomal dominant epilepsy with auditory features. Identifiers: Orphanet 101046, MedGen C1838062, MONDO:0010898.

gnomAD v4.1: 7 of 1,614,204 alleles (0.00043%); highest among the groups gnomAD compares: East Asian, 0.013%; no homozygotes.

Submissions (2):

CeGaT Center for Human Genetics Tuebingen
Classification: Uncertain significance. Last evaluated: 2024-09-01. Review status: criteria provided, single submitter. Criteria: CeGaT Center For Human Genetics Tuebingen Variant Classification Criteria Version 2. Collection method: clinical testing. Allele origin: germline. Affected: yes. Observed: 1 variant allele.
Comment: LGI1: PM2, BP4

Labcorp Genetics (formerly Invitae), Labcorp
Classification: Uncertain significance for Autosomal dominant epilepsy with auditory features. Last evaluated: 2023-09-06. Review status: criteria provided, single submitter. Criteria: Invitae Variant Classification Sherloc (09022015). Collection method: clinical testing. Allele origin: germline.
Comment: This variant is present in population databases (no rsID available, gnomAD 0.03%). This sequence change replaces leucine, which is neutral and non-polar, with arginine, which is basic and polar, at codon 16 of the LGI1 protein (p.Leu16Arg). This variant has not been reported in the literature in individuals affected with LGI1-related conditions. In summary, the available evidence is currently insufficient to determine the role of this variant in disease. Therefore, it has been classified as a Variant of Uncertain Significance. An algorithm developed to predict the effect of missense changes on protein structure and function (PolyPhen-2) suggests that this variant is likely to be tolerated. ClinVar contains an entry for this variant (Variation ID: 1494056).

NM_005097.4(LGI1):c.47T>G (p.Leu16Arg)

Gene: LGI1 (leucine rich glioma inactivated 1; plus strand). Cytogenetic location: 10q23.33.
Variant type: single nucleotide variant.
Coding change: c.47T>G on transcript NM_005097.4 (MANE Select); coding-DNA position 47, T replaced by G.
Protein change: p.Leu16Arg; replaces leucine 16 with arginine.
Molecular consequence: missense variant. On other transcripts: non-coding transcript variant (1).
Genome position (GRCh38, 1-based): chr10:93,758,191, T>G. VCF-style: chr10-93758191-T-G. GRCh37 (hg19) VCF-style: chr10-95517948-T-G.
Other names: c.47T>G, p.Leu16Arg (NM_001308275.2, NM_001308276.2); short protein forms L16R.
Identifiers: ClinVar variation 1494056 (VCV001494056.22), dbSNP rs1234339369, ClinGen allele CA377631144.